The following is an entry in ClinVar:

NM_001291303.3(FAT4):c.4726A>C (p.Ile1576Leu)

Gene: FAT4 (FAT atypical cadherin 4; plus strand). Cytogenetic location: 4q28.1.
Variant type: single nucleotide variant.
Coding change: c.4726A>C on transcript NM_001291303.3 (MANE Select); coding-DNA position 4726, A replaced by C.
Protein change: p.Ile1576Leu; replaces isoleucine 1576 with leucine.
Molecular consequence: missense variant.
Genome position (GRCh38, 1-based): chr4:125,321,137, A>C. VCF-style: chr4-125321137-A-C. GRCh37 (hg19) VCF-style: chr4-126242292-A-C.
Other names: c.4726A>C (NM_024582.5); c.4726A>C, p.Ile1576Leu (NM_001291285.3, NM_024582.6); short protein forms I1576L.
Identifiers: ClinVar variation 2627210 (VCV002627210.3), dbSNP rs369950066, ClinGen allele CA3072509.

ClinVar aggregate classification (germline): Uncertain significance. Review status: criteria provided, multiple submitters, no conflicts (2 of 4 stars). 3 submissions from 3 submitters: Uncertain significance (3). Last evaluated 2025-11-20.

Conditions:
Hennekam lymphangiectasia-lymphedema syndrome 2 (HKLLS2). Identifiers: Orphanet 2136, MedGen C4014939, MONDO:0014454, OMIM 616006.
Van Maldergem syndrome 2 (VMLDS2). Identifiers: Orphanet 314679, MedGen C3809875, MONDO:0014242, OMIM 615546.
Inborn genetic diseases. Identifiers: MedGen C0950123, MeSH D030342.

Allele frequency attached by ClinVar (database versions not stated): ESP Exome Variant Server 0.00016; ExAC 0.00002.
gnomAD v4.1: 25 of 1,614,180 alleles (0.0015%); highest among the groups gnomAD compares: Non-Finnish European, 0.0021%; no homozygotes.

Submissions (3):

Ambry Genetics
Classification: Uncertain significance for Inborn genetic diseases. Last evaluated: 2025-11-20. Review status: criteria provided, single submitter. Criteria: Ambry Variant Classification Scheme 2023. Collection method: clinical testing. Allele origin: germline.

Fulgent Genetics
Classification: Uncertain significance for Van Maldergem syndrome 2; Hennekam lymphangiectasia-lymphedema syndrome 2. Last evaluated: 2024-03-28. Review status: criteria provided, single submitter. Criteria: ACMG Guidelines, 2015. Collection method: clinical testing. Allele origin: germline.

Women's Health and Genetics/Laboratory Corporation of America, LabCorp
Classification: Uncertain significance. Last evaluated: 2023-09-12. Review status: criteria provided, single submitter. Criteria: LabCorp Variant Classification Summary - May 2015. Collection method: clinical testing. Allele origin: germline.
Comment: Variant summary: FAT4 c.4726A>C (p.Ile1576Leu) results in a conservative amino acid change located in the Cadherin-like (IPR002126) of the encoded protein sequence. Five of five in-silico tools predict a benign effect of the variant on protein function. The variant allele was found at a frequency of 2.8e-05 in 249532 control chromosomes. The available data on variant occurrences in the general population are insufficient to allow any conclusion about variant significance. To our knowledge, no occurrence of c.4726A>C in individuals affected with FAT4-Related Disorders and no experimental evidence demonstrating its impact on protein function have been reported. No submitters have cited clinical-significance assessments for this variant to ClinVar after 2014. Based on the evidence outlined above, the variant was classified as uncertain significance.